The following is an entry in ClinVar:

NM_000222.3(KIT):c.2120T>G (p.Leu707Arg)

Gene: KIT (KIT proto-oncogene, receptor tyrosine kinase; plus strand). Cytogenetic location: 4q12.
Variant type: single nucleotide variant.
Coding change: c.2120T>G on transcript NM_000222.3 (MANE Select); coding-DNA position 2120, T replaced by G.
Protein change: p.Leu707Arg; replaces leucine 707 with arginine.
Molecular consequence: missense variant.
Genome position (GRCh38, 1-based): chr4:54,729,464, T>G. VCF-style: chr4-54729464-T-G. GRCh37 (hg19) VCF-style: chr4-55595630-T-G.
Other names: c.2111T>G, p.Leu704Arg (NM_001385292.1, NM_001385288.1); c.2108T>G, p.Leu703Arg (NM_001093772.2, NM_001385286.1); c.2123T>G, p.Leu708Arg (NM_001385284.1, NM_001385290.1); c.2120T>G, p.Leu707Arg (NM_001385285.1); short protein forms L707R, L704R, L708R, L703R.
Identifiers: ClinVar variation 3648957 (VCV003648957.2).
Genomic context (GRCh38, chr4:54,729,464, plus strand): 5'-ATTCATTTATTTGTTCAAAGCAGGAAGATCATGCAGAAGCTGCACTTTATAAGAATCTTC[T>G]GCATTCAAAGGAGTCTTCCTGGTAAGACTGATTTACATAAATAGTTAGCTGTTGACAGGC-3'
Protein context (NP_000213.1, residues 697-717): HAEAALYKNL[Leu707Arg]HSKESSCSDS

ClinVar aggregate classification (germline): Uncertain significance (1 of 4 stars; one submission).

Conditions:
Gastrointestinal stromal tumor. Also called: Gastrointestinal stromal tumor, somatic; Gastrointestinal stroma tumor. Identifiers: Orphanet 44890, MedGen C0238198, MeSH D046152, MONDO:0011719, OMIM 606764, HP:0100723.

Submission:

Labcorp Genetics (formerly Invitae), Labcorp
Classification: Uncertain significance for Gastrointestinal stromal tumor. Last evaluated: 2024-04-06. Review status: criteria provided, single submitter. Criteria: Invitae Variant Classification Sherloc (09022015). Collection method: clinical testing. Allele origin: germline.
Comment: This sequence change replaces leucine, which is neutral and non-polar, with arginine, which is basic and polar, at codon 707 of the KIT protein (p.Leu707Arg). This variant is not present in population databases (gnomAD no frequency). This variant has not been reported in the literature in individuals affected with KIT-related conditions. An algorithm developed to predict the effect of missense changes on protein structure and function (PolyPhen-2) suggests that this variant is likely to be disruptive. In summary, the available evidence is currently insufficient to determine the role of this variant in disease. Therefore, it has been classified as a Variant of Uncertain Significance.